The following is an entry in ClinVar:

NM_014171.6(CRIPT):c.275A>G (p.Asp92Gly)

Gene: CRIPT (CXXC repeat containing interactor of PDZ3 domain; plus strand). Cytogenetic location: 2p21.
Variant type: single nucleotide variant.
Coding change: c.275A>G on transcript NM_014171.6 (MANE Select); coding-DNA position 275, A replaced by G.
Protein change: p.Asp92Gly; replaces aspartic acid 92 with glycine.
Molecular consequence: missense variant.
Genome position (GRCh38, 1-based): chr2:46,624,196, A>G. VCF-style: chr2-46624196-A-G. GRCh37 (hg19) VCF-style: chr2-46851335-A-G.
Other names: short protein forms D92G.
Identifiers: ClinVar variation 2632905 (VCV002632905.1), dbSNP rs748070966, ClinGen allele CA1646381.

ClinVar aggregate classification (germline): Uncertain significance (1 of 4 stars; one submission).

Conditions:
CRIPT-related disorder. Also called: CRIPT-related condition.

Allele frequency attached by ClinVar (database versions not stated): gnomAD exomes below 0.00001; ExAC 0.00001; gnomAD 0.00001; TOPMed 0.00002.
gnomAD v4.1: 4 of 1,583,446 alleles (0.00025%); highest among the groups gnomAD compares: African/African-American, 0.0027%; no homozygotes.

Submission:

PreventionGenetics, part of Exact Sciences
Classification: Uncertain significance for CRIPT-related condition. Last evaluated: 2023-06-07. Review status: criteria provided, single submitter. Criteria: ACMG Guidelines, 2015. Collection method: clinical testing. Allele origin: germline.
Comment: The CRIPT c.275A>G variant is predicted to result in the amino acid substitution p.Asp92Gly. To our knowledge, this variant has not been reported in the literature or in a large population database, indicating this variant is rare. At this time, the clinical significance of this variant is uncertain due to the absence of conclusive functional and genetic evidence.